The following is an entry in ClinVar:

NM_000038.6(APC):c.2943C>T (p.Pro981=)

Gene: APC (APC regulator of Wnt signaling pathway; plus strand). Cytogenetic location: 5q22.2.
Variant type: single nucleotide variant.
Coding change: c.2943C>T on transcript NM_000038.6 (MANE Select); coding-DNA position 2943, C replaced by T.
Protein change: p.Pro981=; no amino-acid change (proline 981 retained).
Molecular consequence: synonymous variant. On other transcripts: non-coding transcript variant (2).
Genome position (GRCh38, 1-based): chr5:112,838,537, C>T. VCF-style: chr5-112838537-C-T. GRCh37 (hg19) VCF-style: chr5-112174234-C-T.
Other names: c.2943C>T, p.Pro981= (NM_001127510.3, NM_001354895.2, NM_001407450.1); c.2889C>T, p.Pro963= (NM_001127511.3); c.2997C>T, p.Pro999= (NM_001354896.2, NM_001407447.1, NM_001407448.1 and 1 more transcripts); c.2973C>T, p.Pro991= (NM_001354897.2); c.2868C>T, p.Pro956= (NM_001354898.2); c.2859C>T, p.Pro953= (NM_001354899.2); c.2820C>T, p.Pro940= (NM_001354900.2); c.2766C>T, p.Pro922= (NM_001354901.2, NM_001407453.1); and 11 more.
Identifiers: ClinVar variation 3148211 (VCV003148211.1), dbSNP rs148153867, ClinGen allele CA445963082.

ClinVar aggregate classification (germline): Benign (1 of 4 stars; one submission).

Conditions:
Familial adenomatous polyposis 1 (FAP1). Also called: POLYPOSIS, ADENOMATOUS INTESTINAL; FAMILIAL ADENOMATOUS POLYPOSIS 1, ATTENUATED. Identifiers: MedGen C2713442, MONDO:0021056, OMIM 175100. Disease mechanism: loss of function.

Submission:

Myriad Genetics, Inc.
Classification: Benign for Familial adenomatous polyposis 1. Last evaluated: 2024-03-15. Review status: criteria provided, single submitter. Criteria: Myriad Autosomal Dominant, Autosomal Recessive and X-Linked Classification Criteria (2023). Collection method: clinical testing. Allele origin: unknown.
Comment: This variant is considered benign. This variant is a silent/synonymous amino acid change and it is not expected to impact splicing.